The following is an entry in ClinVar:

ClinVar aggregate classification (germline): Benign. Review status: criteria provided, multiple submitters, no conflicts (2 of 4 stars). 8 submissions from 8 submitters: Benign (8). Last evaluated 2026-02-04.

Conditions:
Renal tubular dysgenesis. Also called: Renotubular dysgenesis. Identifiers: Orphanet 3033, MedGen C0266313, MONDO:0017609, HP:0008660.

Allele frequency attached by ClinVar (database versions not stated): 1000 Genomes Project 0.42352; gnomAD exomes 0.43770 and 0.45711; ExAC 0.44916; ESP Exome Variant Server 0.33569; gnomAD 0.35804 and 0.36978; TOPMed 0.36286; 1000 Genomes Project 30x 0.41911.
gnomAD v4.1: 695,201 of 1,613,878 alleles (43%); highest among the groups gnomAD compares: East Asian, 62%; 155,262 homozygotes.

Submissions (8):

Labcorp Genetics (formerly Invitae), Labcorp
Classification: Benign. Last evaluated: 2026-02-04. Review status: criteria provided, single submitter. Criteria: Invitae Variant Classification Sherloc (09022015). Collection method: clinical testing. Allele origin: germline.

Blueprint Genetics
Classification: Benign. Last evaluated: 2024-11-28. Review status: criteria provided, single submitter. Criteria: ACMG Guidelines, 2015. Collection method: clinical testing. Allele origin: germline.

Mayo Clinic Laboratories, Mayo Clinic
Classification: Benign. Last evaluated: 2022-03-09. Review status: criteria provided, single submitter. Criteria: ACMG Guidelines, 2015. Collection method: clinical testing. Allele origin: germline. Observed: 42 variant alleles.

Genome-Nilou Lab
Classification: Benign for Renal tubular dysgenesis of genetic origin. Last evaluated: 2021-07-14. Review status: criteria provided, single submitter. Criteria: ACMG Guidelines, 2015. Collection method: clinical testing. Allele origin: germline. Affected: no.

GeneDx
Classification: Benign. Last evaluated: 2018-11-10. Review status: criteria provided, single submitter. Criteria: GeneDx Variant Classification Process June 2021. Collection method: clinical testing. Allele origin: germline. Affected: yes.

Illumina Laboratory Services, Illumina
Classification: Benign for Renal tubular dysgenesis of genetic origin. Last evaluated: 2018-01-13. Review status: criteria provided, single submitter. Criteria: ICSL Variant Classification Criteria 13 December 2019. Collection method: clinical testing. Allele origin: germline.
Comment: This variant was observed in the ICSL laboratory as part of a predisposition screen in an ostensibly healthy population. It had not been previously curated by ICSL or reported in the Human Gene Mutation Database (HGMD: prior to June 1st, 2018), and was therefore a candidate for classification through an automated scoring system. Utilizing variant allele frequency, disease prevalence and penetrance estimates, and inheritance mode, an automated score was calculated to assess if this variant is too frequent to cause the disease. Based on the score and internal cut-off values, a variant classified as benign is not then subjected to further curation. The score for this variant resulted in a classification of benign for this disease.

Breakthrough Genomics
Classification: Benign. Review status: criteria provided, single submitter. Criteria: ACMG Guidelines, 2015. Collection method: not provided. Allele origin: germline. Inheritance: Autosomal recessive inheritance. Affected: yes.

PreventionGenetics, part of Exact Sciences
Classification: Benign. Review status: criteria provided, single submitter. Criteria: ACMG Guidelines, 2015. Collection method: clinical testing. Allele origin: germline.

NM_000789.4(ACE):c.1215C>T (p.Pro405=)

Gene: ACE (angiotensin I converting enzyme; plus strand). Cytogenetic location: 17q23.3.
Variant type: single nucleotide variant.
Coding change: c.1215C>T on transcript NM_000789.4 (MANE Select); coding-DNA position 1215, C replaced by T.
Protein change: p.Pro405=; no amino-acid change (proline 405 retained).
Molecular consequence: synonymous variant.
Genome position (GRCh38, 1-based): chr17:63,482,562, C>T. VCF-style: chr17-63482562-C-T. GRCh37 (hg19) VCF-style: chr17-61559923-C-T.
Other names: p.Pro405=.
Identifiers: ClinVar variation 256799 (VCV000256799.22), dbSNP rs4309, ClinGen allele CA8699442.
Genomic context (GRCh38, chr17:63,482,562, plus strand): 5'-CTCCACAGTGCACCATGAGATGGGCCATATACAGTACTACCTGCAGTACAAGGATCTGCC[C>T]GTCTCCCTGCGTCGGGGGGCCAACCCCGGCTTCCATGAGGCCATTGGGGACGTGCTGGCG-3'
Protein context (NP_000780.1, residues 395-415): IQYYLQYKDL[Pro405=]VSLRRGANPG